The following is an entry in ClinVar:

NM_001267550.2(TTN):c.66647G>A (p.Arg22216His)

Genes: TTN (titin; minus strand), TTN-AS1 (TTN antisense RNA 1; plus strand). Cytogenetic location: 2q31.2.
Variant type: single nucleotide variant.
Coding change: c.66647G>A on transcript NM_001267550.2 (MANE Select); coding-DNA position 66647, G replaced by A.
Protein change: p.Arg22216His; replaces arginine 22216 with histidine.
Molecular consequence: missense variant.
Genome position (GRCh38, 1-based): chr2:178,581,621, C>T on the plus strand (G>A on the coding strand, the complement: TTN is on the minus strand). VCF-style: chr2-178581621-C-T. GRCh37 (hg19) VCF-style: chr2-179446348-C-T.
Other names: c.61724G>A, p.Arg20575His (NM_001256850.1); c.39452G>A, p.Arg13151His (NM_003319.4); c.58943G>A, p.Arg19648His (NM_133378.4); c.39827G>A, p.Arg13276His (NM_133432.3); c.40028G>A, p.Arg13343His (NM_133437.4); short protein forms R13276H, R13343H, R13151H, R19648H, R22216H, R20575H.
Identifiers: ClinVar variation 1736378 (VCV001736378.3), dbSNP rs753717922, ClinGen allele CA1991466.
Genomic context (GRCh38, chr2:178,581,621, plus strand): 5'-TTAACGGCATACACACGGAATTGATATTGTGTGTCTTCCATCAGGCCAGTAACCTCAAAG[C>T]GGGTTTTCTGTAGATTCTGTGGTAAGTTGCACCTCACCCAGTTATCGGAGTCAGCCCGTT-3'
Protein context (NP_001254479.2, residues 22206-22226): CNLPQNLQKT[Arg22216His]FEVTGLMEDT

ClinVar aggregate classification (germline): Uncertain significance. Review status: criteria provided, single submitter (1 of 4 stars). 2 submissions from 2 submitters: Uncertain significance (1). 1 of the submissions does not count toward it. Last evaluated 2019-11-01.

Conditions:
TTN-related disorder. Also called: TTN-related condition; TTN-related disease; TTN-related disorders.
Cardiovascular phenotype. Identifiers: MedGen CN230736.

Allele frequency attached by ClinVar (database versions not stated): ExAC 0.00003; gnomAD 0.00003.
gnomAD v4.1: 72 of 1,612,612 alleles (0.0045%); highest among the groups gnomAD compares: African/African-American, 0.0094%; no homozygotes.

Submissions (2):

Ambry Genetics
Classification: Uncertain significance for Cardiovascular phenotype. Last evaluated: 2019-11-01. Review status: criteria provided, single submitter. Criteria: Ambry Variant Classification Scheme 2023. Collection method: clinical testing. Allele origin: germline.
Comment: The p.R13151H variant (also known as c.39452G>A), located in coding exon 143 of the TTN gene, results from a G to A substitution at nucleotide position 39452. The arginine at codon 13151 is replaced by histidine, an amino acid with highly similar properties. This amino acid position is not well conserved in available vertebrate species. In addition, this alteration is predicted to be tolerated by in silico analysis. Since supporting evidence is limited at this time, the clinical significance of this alteration remains unclear.

PreventionGenetics, part of Exact Sciences
Classification: Uncertain significance for TTN-related condition. Last evaluated: 2024-09-23. Review status: no assertion criteria provided. Collection method: clinical testing. Allele origin: germline. Not counted in ClinVar's aggregate classification.
Comment: The TTN c.66647G>A variant is predicted to result in the amino acid substitution p.Arg22216His. To our knowledge, this variant has not been reported in the literature. This variant is reported in 0.013% of alleles in individuals of African descent in gnomAD. At this time, the clinical significance of this variant is uncertain due to the absence of conclusive functional and genetic evidence.